The following is an entry in ClinVar:

ClinVar aggregate classification (germline): Uncertain significance. Review status: criteria provided, multiple submitters, no conflicts (2 of 4 stars). 2 submissions from 2 submitters: Uncertain significance (2). Last evaluated 2024-11-21.

Conditions:
Hereditary cancer-predisposing syndrome. Also called: Neoplastic Syndromes, Hereditary; Hereditary neoplastic syndrome; Tumor predisposition; Hereditary Cancer Syndrome. Identifiers: Orphanet 140162, MedGen C0027672, MeSH D009386, MONDO:0015356.
Cardiovascular phenotype. Identifiers: MedGen CN230736.
Neurofibromatosis, type 1 (NF1). Also called: VON RECKLINGHAUSEN DISEASE; NEUROFIBROMATOSIS, TYPE I, SOMATIC; Peripheral type neurofibromatosis; Neurofibromatosis, type I. Identifiers: Orphanet 636, MedGen C0027831, MONDO:0018975, OMIM 162200. Disease mechanism: loss of function.

Submissions (2):

Ambry Genetics
Classification: Uncertain significance for Cardiovascular phenotype; Hereditary cancer-predisposing syndrome. Last evaluated: 2024-11-21. Review status: criteria provided, single submitter. Criteria: Ambry Variant Classification Scheme 2023. Collection method: clinical testing. Allele origin: germline.
Comment: The p.H781R variant (also known as c.2342A>G), located in coding exon 20 of the NF1 gene, results from an A to G substitution at nucleotide position 2342. The histidine at codon 781 is replaced by arginine, an amino acid with highly similar properties. This amino acid position is well conserved in available vertebrate species. In addition, the in silico prediction for this alteration is inconclusive. Based on the available evidence, the clinical significance of this variant remains unclear.

Labcorp Genetics (formerly Invitae), Labcorp
Classification: Uncertain significance for Neurofibromatosis, type 1. Last evaluated: 2020-12-07. Review status: criteria provided, single submitter. Criteria: Invitae Variant Classification Sherloc (09022015). Collection method: clinical testing. Allele origin: germline.
Comment: This sequence change replaces histidine with arginine at codon 781 of the NF1 protein (p.His781Arg). The histidine residue is weakly conserved and there is a small physicochemical difference between histidine and arginine. This variant is not present in population databases (ExAC no frequency). This variant has not been reported in the literature in individuals with NF1-related disease. Algorithms developed to predict the effect of missense changes on protein structure and function (SIFT, PolyPhen-2, Align-GVGD) all suggest that this variant is likely to be tolerated, but these predictions have not been confirmed by published functional studies and their clinical significance is uncertain. In summary, the available evidence is currently insufficient to determine the role of this variant in disease. Therefore, it has been classified as a Variant of Uncertain Significance.

NM_001042492.3(NF1):c.2342A>G (p.His781Arg)

Gene: NF1 (neurofibromin 1; plus strand). Cytogenetic location: 17q11.2.
Variant type: single nucleotide variant.
Coding change: c.2342A>G on transcript NM_001042492.3 (MANE Select); coding-DNA position 2342, A replaced by G.
Protein change: p.His781Arg; replaces histidine 781 with arginine.
Molecular consequence: missense variant.
Genome position (GRCh38, 1-based): chr17:31,227,539, A>G. VCF-style: chr17-31227539-A-G. GRCh37 (hg19) VCF-style: chr17-29554557-A-G.
Other names: c.2342A>G, p.His781Arg (NM_000267.4); short protein forms H781R.
Identifiers: ClinVar variation 665791 (VCV000665791.6), dbSNP rs199474763, ClinGen allele CA398983065.
Genomic context (GRCh38, chr17:31,227,539, plus strand): 5'-CTCTAGACTAAGTTGCTTTCAAGTGATAATTGCCTTCATTTTAGGCTTGGGAAGATACAC[A>G]TGCAAAATGGGAACAAGCAACAAAGCTAATCCTTAACTATCCAAAAGCCAAAATGGAAGA-3'
Protein context (NP_001035957.1, residues 771-791): AGNTEAWEDT[His781Arg]AKWEQATKLI